The following is an entry in ClinVar:

NM_005120.3(MED12):c.6159G>A (p.Gln2053=)

Gene: MED12 (mediator complex subunit 12; plus strand). Cytogenetic location: Xq13.1.
Variant type: single nucleotide variant.
Coding change: c.6159G>A on transcript NM_005120.3 (MANE Select); coding-DNA position 6159, G replaced by A.
Protein change: p.Gln2053=; no amino-acid change (glutamine 2053 retained).
Molecular consequence: synonymous variant.
Genome position (GRCh38, 1-based): chrX:71,140,749, G>A. VCF-style: chrX-71140749-G-A. GRCh37 (hg19) VCF-style: chrX-70360599-G-A.
Identifiers: ClinVar variation 4821738 (VCV004821738.4).

ClinVar aggregate classification (germline): Likely benign (1 of 4 stars; one submission).

Submission:

CeGaT Center for Human Genetics Tuebingen
Classification: Likely benign. Last evaluated: 2026-01-01. Review status: criteria provided, single submitter. Criteria: CeGaT Center For Human Genetics Tuebingen Variant Classification Criteria Version 2. Collection method: clinical testing. Allele origin: germline. Affected: yes. Observed: 1 variant allele.
Comment: MED12: PM2:Supporting, BP4, BP7